The following is an entry in ClinVar:

ClinVar aggregate classification (germline): Uncertain significance (1 of 4 stars; one submission).

Conditions:
TRIOBP-related disorder. Also called: TRIOBP-related condition.

gnomAD v4.1: 13 of 1,609,860 alleles (0.00081%); highest among the groups gnomAD compares: Non-Finnish European, 0.0011%; no homozygotes.

Submission:

PreventionGenetics, part of Exact Sciences
Classification: Uncertain significance for TRIOBP-related condition. Last evaluated: 2026-09-18. Review status: criteria provided, single submitter. Criteria: ACMG Guidelines, 2015. Collection method: clinical testing. Allele origin: germline.
Comment: The TRIOBP c.4946A>G variant is predicted to result in the amino acid substitution p.Gln1649Arg. To our knowledge, this variant has not been reported in the literature. This variant is reported in 0.0018% of alleles in individuals of European (Non-Finnish) descent in gnomAD. At this time, the clinical significance of this variant is uncertain due to the absence of conclusive functional and genetic evidence.

NM_001039141.3(TRIOBP):c.4946A>G (p.Gln1649Arg)

Gene: TRIOBP (TRIO and F-actin binding protein; plus strand). Cytogenetic location: 22q13.1.
Variant type: single nucleotide variant.
Coding change: c.4946A>G on transcript NM_001039141.3 (MANE Select); coding-DNA position 4946, A replaced by G.
Protein change: p.Gln1649Arg; replaces glutamine 1649 with arginine.
Molecular consequence: missense variant.
Genome position (GRCh38, 1-based): chr22:37,735,282, A>G. VCF-style: chr22-37735282-A-G. GRCh37 (hg19) VCF-style: chr22-38131289-A-G.
Other names: short protein forms Q1649R.
Identifiers: ClinVar variation 4978842 (VCV004978842.1).